The following is an entry in ClinVar:

NM_000038.6(APC):c.3819dup (p.Cys1274fs)

Gene: APC (APC regulator of Wnt signaling pathway; plus strand). Cytogenetic location: 5q22.2.
Variant type: Duplication.
Coding change: c.3819dup on transcript NM_000038.6 (MANE Select); coding-DNA position 3819, one base duplicated (A; older notation c.3819dupA).
Protein change: p.Cys1274fs; shifts the reading frame from cysteine 1274.
Molecular consequence: frameshift variant.
Genome position (GRCh38, 1-based): chr5:112,839,413, A duplicated. VCF-style (leftmost placement, unchanged base first): chr5-112839412-G-GA. GRCh37 (hg19) VCF-style: chr5-112175109-G-GA.
Other names: c.3819dup, p.Cys1274fs (NM_001127510.3, NM_001354895.2); c.3765dup, p.Cys1256fs (NM_001127511.3); c.3873dup, p.Cys1292fs (NM_001354896.2); c.3849dup, p.Cys1284fs (NM_001354897.2); c.3744dup, p.Cys1249fs (NM_001354898.2); c.3735dup, p.Cys1246fs (NM_001354899.2); c.3696dup, p.Cys1233fs (NM_001354900.2); c.3642dup, p.Cys1215fs (NM_001354901.2); and 5 more; short protein forms C1148fs, C1173fs, C1183fs, C1215fs, C1246fs, C1249fs, C1274fs, C1292fs.
Identifiers: ClinVar variation 1454262 (VCV001454262.8), dbSNP rs2149899679, ClinGen allele CA2573138700.

ClinVar aggregate classification (germline): Pathogenic (1 of 4 stars; one submission).

Conditions:
Familial adenomatous polyposis 1 (FAP1). Also called: POLYPOSIS, ADENOMATOUS INTESTINAL; FAMILIAL ADENOMATOUS POLYPOSIS 1, ATTENUATED. Identifiers: MedGen C2713442, MONDO:0021056, OMIM 175100. Disease mechanism: loss of function.

Submission:

Labcorp Genetics (formerly Invitae), Labcorp
Classification: Pathogenic for Familial adenomatous polyposis 1. Last evaluated: 2021-06-18. Review status: criteria provided, single submitter. Criteria: Invitae Variant Classification Sherloc (09022015). Collection method: clinical testing. Allele origin: germline.
Comment: This variant is not present in population databases (ExAC no frequency). This variant has not been reported in the literature in individuals with APC-related conditions. This variant is expected to disrupt the EB1 and HDLG binding sites, which mediate interactions with the cytoskeleton (PMID: 15311282, 17293347). While functional studies have not been performed to directly test the effect on APC protein function, this suggests that disruption of the C-terminal portion of the protein is functionally important. For these reasons, this variant has been classified as Pathogenic. A different truncation (p.Tyr2645Lysfs*14) that lies downstream of this variant has been determined to be pathogenic (PMID: 9824584, 1316610, 27081525, 8381579, 22135120, Invitae). This suggests that deletion of this region of the APC protein is causative of disease. This sequence change creates a premature translational stop signal (p.Cys1274Metfs*2) in the APC gene. While this is not anticipated to result in nonsense mediated decay, it is expected to disrupt the last 1570 amino acid(s) of the APC protein.

Literature cited by the submitters: PubMed 15311282; PubMed 17293347; PubMed 9824584; PubMed 1316610; PubMed 27081525; PubMed 8381579; PubMed 22135120.